The following is an entry in ClinVar:

ClinVar aggregate classification (germline): Uncertain significance (1 of 4 stars; one submission).

gnomAD v4.1: 2 of 1,209,660 alleles (0.00017%); highest among the groups gnomAD compares: Non-Finnish European, 0.00022%; no homozygotes.

Submission:

Women's Health and Genetics/Laboratory Corporation of America, LabCorp
Classification: Uncertain significance. Last evaluated: 2025-05-29. Review status: criteria provided, single submitter. Criteria: LabCorp Variant Classification Summary - May 2015. Collection method: clinical testing. Allele origin: germline.
Comment: Variant summary: RP2 c.115G>A (p.Asp39Asn) results in a conservative amino acid change in the encoded protein sequence. Algorithms developed to predict the effect of missense changes on protein structure and function are either unavailable or do not agree on the potential impact of this missense change. The variant was absent in 180879 control chromosomes. The available data on variant occurrences in the general population are insufficient to allow any conclusion about variant significance. c.115G>A has been observed in one individual affected with Retinitis Pigmentosa, X-Linked (Xu_2014). These data do not allow any conclusion about variant significance. To our knowledge, no experimental evidence demonstrating an impact on protein function has been reported. The following publications have been ascertained in the context of this evaluation (PMID: 32875684, 24938718). No submitters have cited clinical-significance assessments for this variant to ClinVar. Based on the evidence outlined above, the variant was classified as uncertain significance.

Literature cited by the submitters: PubMed 24938718; PubMed 32875684.

NM_006915.3(RP2):c.115G>A (p.Asp39Asn)

Gene: RP2 (RP2 activator of ARL3 GTPase; plus strand). Cytogenetic location: Xp11.3.
Variant type: single nucleotide variant.
Coding change: c.115G>A on transcript NM_006915.3 (MANE Select); coding-DNA position 115, G replaced by A.
Protein change: p.Asp39Asn; replaces aspartic acid 39 with asparagine.
Molecular consequence: missense variant.
Genome position (GRCh38, 1-based): chrX:46,853,488, G>A. VCF-style: chrX-46853488-G-A. GRCh37 (hg19) VCF-style: chrX-46712923-G-A.
Other names: short protein forms D39N.
Identifiers: ClinVar variation 3902320 (VCV003902320.1).
Genomic context (GRCh38, chrX:46,853,488, plus strand): 5'-TGTTGAATAATGTTAATAATACTCAAGGTCTGTGTTTTGTTCCTGCAGGTTGATCCAAAA[G>A]ACTACATGTTCAGTGGACTGAAGGATGAAACAGTAGGTCGCTTACCTGGGACGGTAGCAG-3'
Protein context (NP_008846.2, residues 29-49): WDQREKVDPK[Asp39Asn]YMFSGLKDET